The following is an entry in ClinVar:

ClinVar aggregate classification (germline): Conflicting classifications of pathogenicity. Review status: criteria provided, conflicting classifications (1 of 4 stars). 4 submissions from 4 submitters: Uncertain significance (1); Likely benign (1). 2 of the submissions do not count toward it. Last evaluated 2026-01-13.

Conditions:
DCAF17-related disorder. Also called: DCAF17-related condition.
Woodhouse-Sakati syndrome. Also called: EXTRAPYRAMIDAL DISORDER, PROGRESSIVE, WITH PRIMARY HYPOGONADISM, MENTAL RETARDATION, AND ALOPECIA; Hypogonadism, Alopecia, Diabetes Mellitus, Mental Retardation, and Extrapyramidal Syndrome; Hypogonadism, diabetes mellitus, alopecia, mental retardation and electrocardiographic abnormalities. Identifiers: Orphanet 3464, MedGen C0342286, MONDO:0009419, OMIM 241080.

Allele frequency attached by ClinVar (database versions not stated): gnomAD 0.00007; TOPMed 0.00007; ExAC 0.00015; gnomAD exomes 0.00015 and 0.00016.
gnomAD v4.1: 246 of 1,611,918 alleles (0.015%); highest among the groups gnomAD compares: Middle Eastern, 0.12%; 2 homozygotes.

Submissions (4):

Labcorp Genetics (formerly Invitae), Labcorp
Classification: Likely benign for Woodhouse-Sakati syndrome. Last evaluated: 2026-01-13. Review status: criteria provided, single submitter. Criteria: Invitae Variant Classification Sherloc (09022015). Collection method: clinical testing. Allele origin: germline.

Illumina Laboratory Services, Illumina
Classification: Uncertain significance for Woodhouse-Sakati syndrome. Last evaluated: 2018-01-12. Review status: criteria provided, single submitter. Criteria: ICSL Variant Classification Criteria 13 December 2019. Collection method: clinical testing. Allele origin: germline.

PreventionGenetics, part of Exact Sciences
Classification: Likely benign for DCAF17-related condition. Last evaluated: 2024-09-17. Review status: no assertion criteria provided. Collection method: clinical testing. Allele origin: germline. Not counted in ClinVar's aggregate classification.
Comment: This variant is classified as likely benign based on ACMG/AMP sequence variant interpretation guidelines (Richards et al. 2015 PMID: 25741868, with internal and published modifications).

Genetic Services Laboratory, University of Chicago
Classification: Uncertain significance. Last evaluated: 2022-05-31. Review status: no assertion criteria provided. Collection method: clinical testing. Allele origin: germline. Affected: no. Not counted in ClinVar's aggregate classification.
Comment: DNA sequence analysis of the DCAF17 gene demonstrated a sequence change in intron 12, c.1266+6G>A. This change does not appear to have been previously described in individuals with DCAF17-related disorders and has been described in the gnomAD database with a frequency of 0.015% in all populations in gnomAD (dbSNP rs557741620). In-silico splice prediction programs provide inconclusive results for this sequence change. It is possible that this sequence change represents a benign sequence change in the DCAF17 gene that has not been identified to date. The functional significance of this sequence change is not known at present and its contribution to this individual's disease phenotype cannot definitively be determined.

NM_025000.4(DCAF17):c.1266+6G>A

Gene: DCAF17 (DDB1 and CUL4 associated factor 17; plus strand). Cytogenetic location: 2q31.1.
Variant type: single nucleotide variant.
Coding change: c.1266+6G>A on transcript NM_025000.4 (MANE Select); 6 bases into the intron after coding-DNA position 1266, G replaced by A.
Molecular consequence: intron variant.
Genome position (GRCh38, 1-based): chr2:171,478,076, G>A. VCF-style: chr2-171478076-G-A. GRCh37 (hg19) VCF-style: chr2-172334586-G-A.
Other names: c.1065+6G>A (NM_001164821.2).
Identifiers: ClinVar variation 332271 (VCV000332271.16), dbSNP rs557741620, ClinGen allele CA1964930.
Genomic context (GRCh38, chr2:171,478,076, plus strand): 5'-TGGACGGGTGGTAAAAAAAAGTTTTAACCTTCTGGATGATGACCCAGAACAAGAGGTATT[G>A]CTTTGGCCAGAGATGACAAACCAAACCAGTGTGTCCTTGCATTGTGAATTTCATATTAAT-3'